The following is an entry in ClinVar:

ClinVar aggregate classification (germline): Uncertain significance. Review status: criteria provided, multiple submitters, no conflicts (2 of 4 stars). 3 submissions from 3 submitters: Uncertain significance (3). Last evaluated 2022-08-06.

Conditions:
LAMA2-related muscular dystrophy (LAMA2-RD). Also called: Laminin alpha 2-related dystrophy. Identifiers: MedGen C5679788, MONDO:0100228.

Allele frequency attached by ClinVar (database versions not stated): gnomAD exomes below 0.00001; TOPMed below 0.00001; ExAC 0.00001; gnomAD 0.00001.
gnomAD v4.1: 2 of 1,613,590 alleles (0.00012%); highest among the groups gnomAD compares: Non-Finnish European, 0.00017%; no homozygotes.

Submissions (3):

Labcorp Genetics (formerly Invitae), Labcorp
Classification: Uncertain significance for LAMA2-related muscular dystrophy. Last evaluated: 2022-08-06. Review status: criteria provided, single submitter. Criteria: Invitae Variant Classification Sherloc (09022015). Collection method: clinical testing. Allele origin: germline.
Comment: This sequence change replaces alanine, which is neutral and non-polar, with serine, which is neutral and polar, at codon 1967 of the LAMA2 protein (p.Ala1967Ser). This variant is present in population databases (rs762129616, gnomAD 0.002%). This variant has not been reported in the literature in individuals affected with LAMA2-related conditions. ClinVar contains an entry for this variant (Variation ID: 804984). Advanced modeling of protein sequence and biophysical properties (such as structural, functional, and spatial information, amino acid conservation, physicochemical variation, residue mobility, and thermodynamic stability) performed at Invitae indicates that this missense variant is not expected to disrupt LAMA2 protein function. In summary, the available evidence is currently insufficient to determine the role of this variant in disease. Therefore, it has been classified as a Variant of Uncertain Significance.

Revvity Omics, Revvity
Classification: Uncertain significance. Last evaluated: 2020-02-10. Review status: criteria provided, single submitter. Criteria: ACMG Guidelines, 2015. Collection method: clinical testing. Allele origin: germline.

Athena Diagnostics
Classification: Uncertain significance. Last evaluated: 2018-11-29. Review status: criteria provided, single submitter. Criteria: Athena Diagnostics Criteria. Collection method: clinical testing. Allele origin: germline.

NM_000426.4(LAMA2):c.5899G>T (p.Ala1967Ser)

Gene: LAMA2 (laminin subunit alpha 2; plus strand). Cytogenetic location: 6q22.33.
Variant type: single nucleotide variant.
Coding change: c.5899G>T on transcript NM_000426.4 (MANE Select); coding-DNA position 5899, G replaced by T.
Protein change: p.Ala1967Ser; replaces alanine 1967 with serine.
Molecular consequence: missense variant.
Genome position (GRCh38, 1-based): chr6:129,427,785, G>T. VCF-style: chr6-129427785-G-T. GRCh37 (hg19) VCF-style: chr6-129748930-G-T.
Other names: c.5899G>T, p.Ala1967Ser (NM_001079823.2); short protein forms A1967S.
Identifiers: ClinVar variation 804984 (VCV000804984.5), dbSNP rs762129616, ClinGen allele CA3994026.